The following is an entry in ClinVar:

ClinVar aggregate classification (germline): Uncertain significance (1 of 4 stars; one submission).

Conditions:
Nephronophthisis 14 (NPHP14). Identifiers: Orphanet 2318, MedGen C3539071, MONDO:0013916, OMIM 614844.

Allele frequency attached by ClinVar (database versions not stated): gnomAD exomes below 0.00001.
gnomAD v4.1: 1 of 1,614,120 alleles (0.000062%); highest among the groups gnomAD compares: Non-Finnish European, 0.000085%; no homozygotes.

Submission:

Labcorp Genetics (formerly Invitae), Labcorp
Classification: Uncertain significance for Nephronophthisis 14. Last evaluated: 2022-07-05. Review status: criteria provided, single submitter. Criteria: Invitae Variant Classification Sherloc (09022015). Collection method: clinical testing. Allele origin: germline.
Comment: This variant is not present in population databases (gnomAD no frequency). This sequence change replaces proline, which is neutral and non-polar, with serine, which is neutral and polar, at codon 551 of the ZNF423 protein (p.Pro551Ser). This variant has not been reported in the literature in individuals affected with ZNF423-related conditions. In summary, the available evidence is currently insufficient to determine the role of this variant in disease. Therefore, it has been classified as a Variant of Uncertain Significance. Algorithms developed to predict the effect of missense changes on protein structure and function (SIFT, PolyPhen-2, Align-GVGD) all suggest that this variant is likely to be disruptive. ClinVar contains an entry for this variant (Variation ID: 1026465).

NM_001379286.1(ZNF423):c.1675C>T (p.Pro559Ser)

Gene: ZNF423 (zinc finger protein 423; minus strand). Cytogenetic location: 16q12.1.
Variant type: single nucleotide variant.
Coding change: c.1675C>T on transcript NM_001379286.1 (MANE Select); coding-DNA position 1675, C replaced by T.
Protein change: p.Pro559Ser; replaces proline 559 with serine.
Molecular consequence: missense variant.
Genome position (GRCh38, 1-based): chr16:49,637,501, G>A on the plus strand (C>T on the coding strand, the complement: ZNF423 is on the minus strand). VCF-style: chr16-49637501-G-A. GRCh37 (hg19) VCF-style: chr16-49671412-G-A.
Other names: c.1471C>T, p.Pro491Ser (NM_001271620.2); c.1300C>T, p.Pro434Ser (NM_001330533.2); c.1651C>T, p.Pro551Ser (NM_015069.5); short protein forms P434S, P491S, P551S, P559S.
Identifiers: ClinVar variation 1026465 (VCV001026465.10), dbSNP rs1972776458, ClinGen allele CA395846980.